The following is an entry in ClinVar:

ClinVar aggregate classification (germline): Uncertain significance (1 of 4 stars; one submission).

Conditions:
Hereditary cancer-predisposing syndrome. Also called: Neoplastic Syndromes, Hereditary; Hereditary Cancer Syndrome; Tumor predisposition; Hereditary neoplastic syndrome. Identifiers: Orphanet 140162, MedGen C0027672, MeSH D009386, MONDO:0015356.

Submission:

Ambry Genetics
Classification: Uncertain significance for Hereditary cancer-predisposing syndrome. Last evaluated: 2023-02-03. Review status: criteria provided, single submitter. Criteria: Ambry Variant Classification Scheme 2023. Collection method: clinical testing. Allele origin: germline.
Comment: The c.925_927delATT variant (also known as p.I309del) is located in coding exon 3 of the BLM gene. This variant results from an in-frame ATT deletion at nucleotide positions 925 to 927. This results in the in-frame deletion of an isoleucine at codon 309. This amino acid position is not well conserved in available vertebrate species. In addition, the in silico prediction for this alteration is inconclusive (Choi Y et al. PLoS ONE. 2012; 7(10):e46688). Since supporting evidence is limited at this time, the clinical significance of this alteration remains unclear.

NM_000057.4(BLM):c.922ATT[1] (p.Ile309del)

Gene: BLM (BLM RecQ like helicase; plus strand). Cytogenetic location: 15q26.1.
Variant type: Microsatellite.
Coding change: c.922ATT[1] on transcript NM_000057.4 (MANE Select); one copy of the 3-base unit ATT starting at c.922; the reference has two copies in a row; one copy, 3 bases deleted.
Protein change: p.Ile309del; deletes isoleucine 309.
Molecular consequence: inframe deletion. On other transcripts: inframe indel (2), 5 prime UTR variant (1).
Genome position (GRCh38, 1-based): chr15:90,751,912-90,751,914, ATT deleted; deleting any 3 consecutive bases within chr15:90,751,909-90,751,914 gives the same sequence; the position shown is the placement nearest the transcript's 3' end. VCF-style (leftmost placement, unchanged base first): chr15-90751908-AATT-A. GRCh37 (hg19) VCF-style: chr15-91295138-AATT-A.
Other names: c.922_924ATT[1], p.Ile309del (NM_000057.2); c.922ATT[1], p.Ile309del (NM_001287246.2, NM_001287247.2); c.-370ATT[1] (NM_001287248.2); c.925_927delATT (NM_000057.2); short protein forms I309del.
Identifiers: ClinVar variation 2447179 (VCV002447179.2), dbSNP rs2505400346, ClinGen allele CA2580613320.
Genomic context (GRCh38, chr15:90,751,908, plus strand): 5'-ATGTATTGAATTTGATGATGATGATTATGATACGGATTTTGTTCCACCTTCTCCAGAAGA[AATT>A]ATTTCTGCTTCTTCTTCCTCTTCAAAATGCCTTAGGTAAACTAGCTAAATAATTAGCATT-3'